The following is an entry in ClinVar:

NM_000089.4(COL1A2):c.973G>A (p.Gly325Arg)

Gene: COL1A2 (collagen type I alpha 2 chain; plus strand). Cytogenetic location: 7q21.3.
Variant type: single nucleotide variant.
Coding change: c.973G>A on transcript NM_000089.4 (MANE Select); coding-DNA position 973, G replaced by A.
Protein change: p.Gly325Arg; replaces glycine 325 with arginine.
Molecular consequence: missense variant.
Genome position (GRCh38, 1-based): chr7:94,409,759, G>A. VCF-style: chr7-94409759-G-A. GRCh37 (hg19) VCF-style: chr7-94039071-G-A.
Other names: short protein forms G325R.
Identifiers: ClinVar variation 4848755 (VCV004848755.1).
Genomic context (GRCh38, chr7:94,409,759, plus strand): 5'-ACCACACTGCATTTTCCTTCACAGGGCCTTCCCGGCGTTGCTGGGGCTCCCGGCCTCCCT[G>A]GACCCCGCGGTATTCCTGGCCCTGTTGGTGCTGCCGGTGCTACTGGTGCCAGAGGACTTG-3'
Protein context (NP_000080.2, residues 315-335): PGVAGAPGLP[Gly325Arg]PRGIPGPVGA

ClinVar aggregate classification (germline): Uncertain significance (1 of 4 stars; one submission).

Submission:

Women's Health and Genetics/Laboratory Corporation of America, LabCorp
Classification: Uncertain significance. Last evaluated: 2026-04-08. Review status: criteria provided, single submitter. Criteria: LabCorp Variant Classification Summary - May 2015. Collection method: clinical testing. Allele origin: germline.
Comment: Variant summary: COL1A2 c.973G>A (p.Gly325Arg) results in a non-conservative amino acid change in the encoded protein sequence. Algorithms developed to predict the effect of missense changes on protein structure and function all suggest that this variant is likely to be disruptive. The variant was absent in 251238 control chromosomes. The available data on variant occurrences in the general population are insufficient to allow any conclusion about variant significance. To our knowledge, no occurrence of c.973G>A in individuals affected with COL1A2-related conditions and no experimental evidence demonstrating its impact on protein function have been reported. No submitters have cited clinical-significance assessments for this variant to ClinVar. Based on the evidence outlined above, the variant was classified as uncertain significance.